The following is an entry in ClinVar:

ClinVar aggregate classification (germline): Uncertain significance (1 of 4 stars; one submission).

Conditions:
Split-foot malformation-mesoaxial polydactyly syndrome. Also called: Split-foot malformation with mesoaxial polydactyly. Identifiers: Orphanet 488232, MedGen C5567487, MONDO:0014816, OMIM 616890.

Submission:

Baylor Genetics
Classification: Uncertain significance for Split-foot malformation-mesoaxial polydactyly syndrome. Last evaluated: 2019-05-10. Review status: criteria provided, single submitter. Criteria: ACMG Guidelines, 2015. Collection method: clinical testing. Allele origin: unknown. Affected: yes.
Comment: This variant was determined to be of uncertain significance according to ACMG Guidelines, 2015 [PMID:25741868].

NM_016653.3(MAP3K20):c.817T>C (p.Cys273Arg)

Genes: MAP3K20 (mitogen-activated protein kinase kinase kinase 20; plus strand), MAP3K20-AS1 (MAP3K20 antisense RNA 1; minus strand). Cytogenetic location: 2q31.1.
Variant type: single nucleotide variant.
Coding change: c.817T>C on transcript NM_016653.3 (MANE Select); coding-DNA position 817, T replaced by C.
Protein change: p.Cys273Arg; replaces cysteine 273 with arginine.
Molecular consequence: missense variant. On other transcripts: non-coding transcript variant (1).
Genome position (GRCh38, 1-based): chr2:173,209,801, T>C. VCF-style: chr2-173209801-T-C. GRCh37 (hg19) VCF-style: chr2-174074529-T-C.
Other names: c.817T>C, p.Cys273Arg (NM_133646.3); short protein forms C273R.
Identifiers: ClinVar variation 1030576 (VCV001030576.1), dbSNP rs1683820514, ClinGen allele CA349313958.
Genomic context (GRCh38, chr2:173,209,801, plus strand): 5'-TTCAAGCAAATCATTTCAATCCTGGAGTCCATGTCAAATGACACGAGCCTTCCTGACAAG[T>C]GTAACTCATTCCTACACAACAAGGCGGAGTGGAGGTGGGTAGCCCCGACAGCAGGCCACA-3'
Protein context (NP_057737.2, residues 263-283): MSNDTSLPDK[Cys273Arg]NSFLHNKAEW